The following is an entry in ClinVar:

NM_004523.4(KIF11):c.1154del (p.Arg384_Leu385insTer)

Gene: KIF11 (kinesin family member 11; plus strand). Cytogenetic location: 10q23.33.
Variant type: Deletion.
Coding change: c.1154del on transcript NM_004523.4 (MANE Select); coding-DNA position 1154, one base deleted (T; older notation c.1154delT).
Protein change: p.Arg384_Leu385insTer.
Molecular consequence: nonsense.
Genome position (GRCh38, 1-based): chr10:92,621,410, T deleted; the last of 3 consecutive T bases (chr10:92,621,408-92,621,410); deleting any one gives the same sequence. VCF-style (leftmost placement, unchanged base first): chr10-92621407-GT-G. GRCh37 (hg19) VCF-style: chr10-94381164-GT-G.
Identifiers: ClinVar variation 4850549 (VCV004850549.1).

ClinVar aggregate classification (germline): Pathogenic (1 of 4 stars; one submission).

Conditions:
Microcephaly with or without chorioretinopathy, lymphedema, or impaired intellectual development. Also called: MICROCEPHALY, LYMPHEDEMA, CHORIORETINAL DYSPLASIA SYNDROME; Microcephaly lymphedema chorioretinal dysplasia; MICROCEPHALY AND CHORIORETINOPATHY WITH OR WITHOUT MENTAL RETARDATION, AUTOSOMAL DOMINANT; Microcephaly with or without chorioretinopathy, lymphedema, or mental retardation; Microcephaly with or without chorioretinopathy, lymphedema, or intellectual disability. Identifiers: Orphanet 2526, MedGen C1835265, MONDO:0007918, OMIM 152950.

Submission:

Department of Human Genetics, University Hospital Bern, Inselspital
Classification: Pathogenic for Microcephaly with or without chorioretinopathy, lymphedema, or impaired intellectual development. Last evaluated: 2026-05-05. Review status: criteria provided, single submitter. Criteria: ACMG Guidelines, 2015. Collection method: clinical testing. Allele origin: maternal. Inheritance: Autosomal dominant inheritance. Affected: yes. Observed: 1 variant allele, 1 heterozygote.
Comment: This nonsense variant has been classified as pathogenic according to the ACMG guidelines. It creates a premature stop codon that most likely leads to mRNA decay and thus fits the described pathomechanism for MCLID in this gene (see PMID: 41427784). This variant has not been observed in gnomAD v4.1 and has not yet been identified in a clinical context to the best of our knowledge (ClinVar, HGMD, PubMed).

Literature cited by the submitters: PubMed 41427784.